The following is an entry in ClinVar:

ClinVar aggregate classification (germline): Likely benign. Review status: criteria provided, multiple submitters, no conflicts (2 of 4 stars). 2 submissions from 2 submitters: Likely benign (2). Last evaluated 2025-08-29.

Conditions:
Fanconi anemia complementation group J. Also called: BRIP1-Related Fanconi Anemia. Identifiers: Orphanet 84, MedGen C1836860, MONDO:0012187, OMIM 609054.
Familial cancer of breast. Also called: Hereditary breast cancer; hereditary breast carcinoma; BREAST CANCER, FAMILIAL. Identifiers: Orphanet 227535, MedGen C0346153, MONDO:0016419, OMIM 114480. Disease mechanism: loss of function.

Submissions (2):

Labcorp Genetics (formerly Invitae), Labcorp
Classification: Likely benign for Familial cancer of breast; Fanconi anemia complementation group J. Last evaluated: 2025-08-29. Review status: criteria provided, single submitter. Criteria: Invitae Variant Classification Sherloc (09022015). Collection method: clinical testing. Allele origin: germline.

Myriad Genetics, Inc.
Classification: Likely benign for Familial cancer of breast. Last evaluated: 2024-09-05. Review status: criteria provided, single submitter. Criteria: Myriad Autosomal Dominant, Autosomal Recessive and X-Linked Classification Criteria (2023). Collection method: clinical testing. Allele origin: unknown.
Comment: This variant is considered likely benign. This variant is intronic and is not expected to impact mRNA splicing.

NM_032043.3(BRIP1):c.2492+10G>A

Gene: BRIP1 (BRCA1 interacting DNA helicase 1; minus strand). Cytogenetic location: 17q23.2.
Variant type: single nucleotide variant.
Coding change: c.2492+10G>A on transcript NM_032043.3 (MANE Select); 10 bases into the intron after coding-DNA position 2492, G replaced by A.
Molecular consequence: intron variant.
Genome position (GRCh38, 1-based): chr17:61,715,941, C>T on the plus strand (G>A on the coding strand, the complement: BRIP1 is on the minus strand). VCF-style: chr17-61715941-C-T. GRCh37 (hg19) VCF-style: chr17-59793302-C-T.
Identifiers: ClinVar variation 1942513 (VCV001942513.6), dbSNP rs2144378509, ClinGen allele CA2580094452.
Genomic context (GRCh38, chr17:61,715,941, plus strand): 5'-AGTAGCAAGACTAGATTTATATATATAGCCCTGTCACAGATAATATTATATTAAATTTCA[C>T]TCCACTTACCTACCAAGGGCCTGGTTTAAGGCCCTGTATGCTTGAATTTCATACCACTGA-3'